The following is an entry in ClinVar:

NM_002202.3(ISL1):c.438G>T (p.Pro146=)

Gene: ISL1 (ISL LIM homeobox 1; plus strand). Cytogenetic location: 5q11.1.
Variant type: single nucleotide variant.
Coding change: c.438G>T on transcript NM_002202.3 (MANE Select); coding-DNA position 438, G replaced by T.
Protein change: p.Pro146=; no amino-acid change (proline 146 retained).
Molecular consequence: synonymous variant.
Genome position (GRCh38, 1-based): chr5:51,387,709, G>T. VCF-style: chr5-51387709-G-T. GRCh37 (hg19) VCF-style: chr5-50683543-G-T.
Identifiers: ClinVar variation 3354863 (VCV003354863.1).

ClinVar aggregate classification (germline): Likely benign (0 of 4 stars; one submission).

Conditions:
ISL1-related disorder. Also called: ISL1-related condition.

Submission:

PreventionGenetics, part of Exact Sciences
Classification: Likely benign for ISL1-related condition. Last evaluated: 2021-12-13. Review status: no assertion criteria provided. Collection method: clinical testing. Allele origin: germline.
Comment: This variant is classified as likely benign based on ACMG/AMP sequence variant interpretation guidelines (Richards et al. 2015 PMID: 25741868, with internal and published modifications).